The following is an entry in ClinVar:

NM_018297.4(NGLY1):c.660dup (p.Ile221fs)

Gene: NGLY1 (N-glycanase 1; minus strand). Cytogenetic location: 3p24.2.
Variant type: Duplication.
Coding change: c.660dup on transcript NM_018297.4 (MANE Select); coding-DNA position 660, one base duplicated (T; older notation c.660dupT).
Protein change: p.Ile221fs; shifts the reading frame from isoleucine 221.
Molecular consequence: frameshift variant.
Genome position (GRCh38, 1-based): chr3:25,739,798, A duplicated on the plus strand (T on the coding strand, the reverse complement: NGLY1 is on the minus strand). VCF-style (leftmost placement, unchanged base first): chr3-25739797-T-TA. GRCh37 (hg19) VCF-style: chr3-25781288-T-TA.
Other names: c.660dup, p.Ile221fs (NM_001145293.2, NM_001145295.2); c.534dup, p.Ile179fs (NM_001145294.2); short protein forms I179fs, I221fs.
Identifiers: ClinVar variation 4721435 (VCV004721435.1).

ClinVar aggregate classification (germline): Pathogenic (1 of 4 stars; one submission).

Conditions:
Congenital disorder of deglycosylation (CDDG). Identifiers: MedGen C3808991, MONDO:0031376.

Submission:

Labcorp Genetics (formerly Invitae), Labcorp
Classification: Pathogenic for Congenital disorder of deglycosylation. Last evaluated: 2025-06-15. Review status: criteria provided, single submitter. Criteria: Invitae Variant Classification Sherloc (09022015). Collection method: clinical testing. Allele origin: germline.
Comment: This sequence change creates a premature translational stop signal (p.Ile221Tyrfs*5) in the NGLY1 gene. It is expected to result in an absent or disrupted protein product. Loss-of-function variants in NGLY1 are known to be pathogenic (PMID: 24651605). This variant is not present in population databases (gnomAD no frequency). This variant has not been reported in the literature in individuals affected with NGLY1-related conditions. For these reasons, this variant has been classified as Pathogenic.

Literature cited by the submitters: PubMed 24651605.